The following continues an entry in ClinVar:

NM_000492.4(CFTR):c.2249C>T (p.Pro750Leu)

Gene: CFTR. ClinVar aggregate classification (germline): Conflicting classifications of pathogenicity. Pathogenic (5); Likely pathogenic (23); Uncertain significance (4).

Submission 35 of 35:

Department of Pathology and Laboratory Medicine, Sinai Health System
Classification: Uncertain significance. Review status: no assertion criteria provided. Collection method: clinical testing. Allele origin: unknown. Affected: yes. Study: The Canadian Open Genetics Repository (COGR). Not counted in ClinVar's aggregate classification.
Comment: The CFTR p.Pro750Leu variant was identified in dbSNP (ID: rs140455771), ClinVar (reported as uncertain significance (4x) and likely pathogenic (1x)), Clinvitae, MutDB and LOVD 3.0 databases, but was not found in Cosmic. The variant was identified in control databases in 80 of 281354 chromosomes at a frequency of 0.000284 (Genome Aggregation Database Feb 27, 2017). The variant was observed in the following populations: European (non-Finnish) in 74 of 128492 chromosomes (freq: 0.000576), East Asian in 3 of 19916 chromosomes (freq: 0.000151) and African in 3 of 24932 chromosomes (freq: 0.00012),but was not observed in the Latino, Ashkenazi Jewish, European (Finnish), Other, and South Asian populations. However, the p.P750L variant was also identified in trans with the p.F508del variant in two sisters with normal sweat chloride testing, minimal respiratory symptoms and normal growth parameters, suggesting that this variant may not be a causal recessive variant for CF (Bernat_2017). The p.Pro750 residue is conserved in mammals but not in more distantly related organisms and computational analyses (PolyPhen-2, SIFT, AlignGVGD, BLOSUM, and MutationTaster) provide inconsistent predictions regarding the impact to the protein; this information is not very predictive of pathogenicity. In summary, based on the above information the clinical significance of this variant cannot be determined with certainty at this time. This variant is classified as a variant of uncertain significance.

Literature cited by the submitters: PubMed 29805046 (cited by 8 submitters); PubMed 28830496 (cited by 7 submitters); PubMed 27728908 (cited by 10 submitters); PubMed 23076339 (cited by 7 submitters); PubMed 22483971 (cited by 9 submitters); PubMed 10798368 (cited by 11 submitters); PubMed 32404922 (cited by Victorian Clinical Genetics Services, Murdoch Childrens Research Institute); PubMed 35109852 (cited by 3 submitters); PubMed 14998948 (cited by 3 submitters); PubMed 16189704 (cited by 5 submitters); PubMed 30888834 (cited by 4 submitters); PubMed 12007216 (cited by Women's Health and Genetics/Laboratory Corporation of America, LabCorp); PubMed 20846557 (cited by 3 submitters); PubMed 19014821 (cited by Women's Health and Genetics/Laboratory Corporation of America, LabCorp and Quest Diagnostics Nichols Institute San Juan Capistrano); PubMed 17481968 (cited by 5 submitters); PubMed 21416780 (cited by Women's Health and Genetics/Laboratory Corporation of America, LabCorp and Quest Diagnostics Nichols Institute San Juan Capistrano); PubMed 17272608 (cited by Women's Health and Genetics/Laboratory Corporation of America, LabCorp and Counsyl); PubMed 26199320 (cited by Women's Health and Genetics/Laboratory Corporation of America, LabCorp); PubMed 28801929 (cited by Women's Health and Genetics/Laboratory Corporation of America, LabCorp); PubMed 30698611 (cited by Women's Health and Genetics/Laboratory Corporation of America, LabCorp); PubMed 29216686 (cited by Women's Health and Genetics/Laboratory Corporation of America, LabCorp); PubMed 31672438 (cited by Women's Health and Genetics/Laboratory Corporation of America, LabCorp); PubMed 31674704 (cited by Women's Health and Genetics/Laboratory Corporation of America, LabCorp); PubMed 34996830 (cited by Women's Health and Genetics/Laboratory Corporation of America, LabCorp); PubMed 38388235 (cited by Women's Health and Genetics/Laboratory Corporation of America, LabCorp); PubMed 37818777 (cited by Quest Diagnostics Nichols Institute San Juan Capistrano); PubMed 16963320 (cited by Sema4).